The following is an entry in ClinVar:

NM_001105206.3(LAMA4):c.139C>T (p.Pro47Ser)

Genes: LAMA4 (laminin subunit alpha 4; minus strand), LAMA4-AS1 (LAMA4 antisense RNA 1; plus strand). Cytogenetic location: 6q21.
Variant type: single nucleotide variant.
Coding change: c.139C>T on transcript NM_001105206.3 (MANE Select); coding-DNA position 139, C replaced by T.
Protein change: p.Pro47Ser; replaces proline 47 with serine.
Molecular consequence: missense variant.
Genome position (GRCh38, 1-based): chr6:112,254,012, G>A on the plus strand (C>T on the coding strand, the complement: LAMA4 is on the minus strand). VCF-style: chr6-112254012-G-A. GRCh37 (hg19) VCF-style: chr6-112575214-G-A.
Other names: c.139C>T, p.Pro47Ser (NM_001105207.3, NM_001105208.3, NM_001105209.3 and 1 more transcripts); short protein forms P47S.
Identifiers: ClinVar variation 4045931 (VCV004045931.1).

ClinVar aggregate classification (germline): Uncertain significance (1 of 4 stars; one submission).

Conditions:
Cardiovascular phenotype. Identifiers: MedGen CN230736.

Submission:

Ambry Genetics
Classification: Uncertain significance for Cardiovascular phenotype. Last evaluated: 2025-03-18. Review status: criteria provided, single submitter. Criteria: Ambry Variant Classification Scheme 2023. Collection method: clinical testing. Allele origin: germline.
Comment: The p.P47S variant (also known as c.139C>T), located in coding exon 1 of the LAMA4 gene, results from a C to T substitution at nucleotide position 139. The proline at codon 47 is replaced by serine, an amino acid with similar properties. This amino acid position is conserved. In addition, this alteration is predicted to be tolerated by in silico analysis. Based on the available evidence, the clinical significance of this variant remains unclear.